The following is an entry in ClinVar:

NM_001082538.3(TCTN1):c.823-2A>G

Gene: TCTN1 (tectonic family member 1; plus strand). Cytogenetic location: 12q24.11.
Variant type: single nucleotide variant.
Coding change: c.823-2A>G on transcript NM_001082538.3 (MANE Select); the canonical splice acceptor site of the intron before coding-DNA position 823, A replaced by G.
Molecular consequence: splice acceptor variant.
Genome position (GRCh38, 1-based): chr12:110,636,479, A>G. VCF-style: chr12-110636479-A-G. GRCh37 (hg19) VCF-style: chr12-111074284-A-G.
Other names: c.655-2A>G (NM_001173975.3); c.643-2A>G (NM_001173976.2); c.289-2A>G (NM_001319681.2); c.781-2A>G (NM_024549.6); c.823-2A>G (NM_001082537.3, NM_001319680.2).
Identifiers: ClinVar variation 2633125 (VCV002633125.1), dbSNP rs2548884767, ClinGen allele CA386703974.

ClinVar aggregate classification (germline): Likely pathogenic (1 of 4 stars; one submission).

Conditions:
TCTN1-related disorder. Also called: TCTN1-related condition.

Submission:

PreventionGenetics, part of Exact Sciences
Classification: Likely pathogenic for TCTN1-related condition. Last evaluated: 2023-05-30. Review status: criteria provided, single submitter. Criteria: ACMG Guidelines, 2015. Collection method: clinical testing. Allele origin: germline.
Comment: The TCTN1 c.823-2A>G variant is predicted to disrupt the AG splice acceptor site and interfere with normal splicing. To our knowledge, this variant has not been reported in the literature or in a large population database, indicating this variant is rare. Variants that disrupt the consensus splice acceptor site in TCTN1 are expected to be pathogenic. Therefore we interpret c.823-2A>G as likely pathogenic.